The following is an entry in ClinVar:

ClinVar aggregate classification (germline): Uncertain significance (1 of 4 stars; one submission).

Submission:

Labcorp Genetics (formerly Invitae), Labcorp
Classification: Uncertain significance. Last evaluated: 2023-01-25. Review status: criteria provided, single submitter. Criteria: Invitae Variant Classification Sherloc (09022015). Collection method: clinical testing. Allele origin: germline.
Comment: This variant has not been reported in the literature in individuals affected with DISP1-related conditions. Algorithms developed to predict the effect of missense changes on protein structure and function are either unavailable or do not agree on the potential impact of this missense change (SIFT: "Tolerated"; PolyPhen-2: "Possibly Damaging"; Align-GVGD: "Class C0"). This variant is not present in population databases (gnomAD no frequency). This sequence change replaces glutamine, which is neutral and polar, with lysine, which is basic and polar, at codon 846 of the DISP1 protein (p.Gln846Lys). In summary, the available evidence is currently insufficient to determine the role of this variant in disease. Therefore, it has been classified as a Variant of Uncertain Significance.

NM_001377229.1(DISP1):c.2536C>A (p.Gln846Lys)

Gene: DISP1 (dispatched RND transporter family member 1; plus strand). Cytogenetic location: 1q41.
Variant type: single nucleotide variant.
Coding change: c.2536C>A on transcript NM_001377229.1 (MANE Select); coding-DNA position 2536, C replaced by A.
Protein change: p.Gln846Lys; replaces glutamine 846 with lysine.
Molecular consequence: missense variant.
Genome position (GRCh38, 1-based): chr1:223,003,933, C>A. VCF-style: chr1-223003933-C-A. GRCh37 (hg19) VCF-style: chr1-223177275-C-A.
Other names: c.1807C>A, p.Gln603Lys (NM_001350630.2); c.2536C>A, p.Gln846Lys (NM_001369594.1, NM_001377228.1, NM_032890.5); short protein forms Q603K, Q846K.
Identifiers: ClinVar variation 2722512 (VCV002722512.3), dbSNP rs2528307700, ClinGen allele CA344682042.